The following is an entry in ClinVar:

NM_002835.4(PTPN12):c.553-4G>A

Gene: PTPN12 (protein tyrosine phosphatase non-receptor type 12; plus strand). Cytogenetic location: 7q11.23.
Variant type: single nucleotide variant.
Coding change: c.553-4G>A on transcript NM_002835.4 (MANE Select); 4 bases into the intron before coding-DNA position 553, G replaced by A.
Molecular consequence: intron variant.
Genome position (GRCh38, 1-based): chr7:77,600,660, G>A. VCF-style: chr7-77600660-G-A. GRCh37 (hg19) VCF-style: chr7-77229977-G-A.
Other names: c.553-4G>A (NM_002835.3); c.196-4G>A (NM_001131008.2); c.163-4G>A (NM_001131009.2).
Identifiers: ClinVar variation 3024795 (VCV003024795.23), dbSNP rs143032580, ClinGen allele CA4311561.
Genomic context (GRCh38, chr7:77,600,660, plus strand): 5'-AGCTGTGCAACTTTAAACTTTGCAAAGTATTTTCATAATTGTTGACTTTCTGTTTTTCTT[G>A]AAGGAATCTCGTAGGCTGTATCAGTTTCATTATGTGAACTGGCCAGACCATGATGTTCCT-3'

ClinVar aggregate classification (germline): Likely benign. Review status: criteria provided, single submitter (1 of 4 stars). 2 submissions from 2 submitters: Likely benign (1). 1 of the submissions does not count toward it. Last evaluated 2024-01-01.

Conditions:
PTPN12-related disorder. Also called: PTPN12-related condition.

Allele frequency attached by ClinVar (database versions not stated): 1000 Genomes Project 0.00319; 1000 Genomes Project 30x 0.00344; TOPMed 0.00579; gnomAD 0.00631; ESP Exome Variant Server 0.00761; ExAC 0.00817; gnomAD exomes 0.00936.
gnomAD v4.1: 14,211 of 1,576,236 alleles (0.9%); highest among the groups gnomAD compares: Non-Finnish European, 1%; 73 homozygotes.

Submissions (2):

CeGaT Center for Human Genetics Tuebingen
Classification: Likely benign. Last evaluated: 2024-01-01. Review status: criteria provided, single submitter. Criteria: CeGaT Center For Human Genetics Tuebingen Variant Classification Criteria Version 2. Collection method: clinical testing. Allele origin: germline. Affected: yes. Observed: 1 variant allele.
Comment: PTPN12: BP4, BS2

PreventionGenetics, part of Exact Sciences
Classification: Benign for PTPN12-related condition. Last evaluated: 2019-05-13. Review status: no assertion criteria provided. Collection method: clinical testing. Allele origin: germline. Not counted in ClinVar's aggregate classification.
Comment: This variant is classified as benign based on ACMG/AMP sequence variant interpretation guidelines (Richards et al. 2015 PMID: 25741868, with internal and published modifications).